The following is an entry in ClinVar:

NM_052867.4(NALCN):c.2050A>T (p.Thr684Ser)

Gene: NALCN (sodium leak channel, non-selective; minus strand). Cytogenetic location: 13q33.1.
Variant type: single nucleotide variant.
Coding change: c.2050A>T on transcript NM_052867.4 (MANE Select); coding-DNA position 2050, A replaced by T.
Protein change: p.Thr684Ser; replaces threonine 684 with serine.
Molecular consequence: missense variant.
Genome position (GRCh38, 1-based): chr13:101,143,148, T>A on the plus strand (A>T on the coding strand, the complement: NALCN is on the minus strand). VCF-style: chr13-101143148-T-A. GRCh37 (hg19) VCF-style: chr13-101795499-T-A.
Other names: c.2050A>T, p.Thr684Ser (NM_001350748.2, NM_001350749.2); c.1963A>T, p.Thr655Ser (NM_001350750.2, NM_001350751.2); short protein forms T655S, T684S.
Identifiers: ClinVar variation 1313734 (VCV001313734.7), dbSNP rs751927717, ClinGen allele CA7035991.

ClinVar aggregate classification (germline): Conflicting classifications of pathogenicity. Review status: criteria provided, conflicting classifications (1 of 4 stars). 3 submissions from 3 submitters: Uncertain significance (2); Likely benign (1). Last evaluated 2026-01-07.

Conditions:
Inborn genetic diseases. Identifiers: MedGen C0950123, MeSH D030342.

Allele frequency attached by ClinVar (database versions not stated): gnomAD exomes 0.00001 and 0.00006; gnomAD 0.00004; TOPMed 0.00004; ExAC 0.00007.
gnomAD v4.1: 21 of 1,613,900 alleles (0.0013%); highest among the groups gnomAD compares: East Asian, 0.045%; no homozygotes.

Submissions (3):

Labcorp Genetics (formerly Invitae), Labcorp
Classification: Likely benign. Last evaluated: 2026-01-07. Review status: criteria provided, single submitter. Criteria: Invitae Variant Classification Sherloc (09022015). Collection method: clinical testing. Allele origin: germline.

Ambry Genetics
Classification: Uncertain significance for Inborn genetic diseases. Last evaluated: 2025-02-28. Review status: criteria provided, single submitter. Criteria: Ambry Variant Classification Scheme 2023. Collection method: clinical testing. Allele origin: germline.

GeneDx
Classification: Uncertain significance. Last evaluated: 2021-07-22. Review status: criteria provided, single submitter. Criteria: GeneDx Variant Classification Process June 2021. Collection method: clinical testing. Allele origin: germline. Affected: yes.
Comment: In silico analysis supports that this missense variant does not alter protein structure/function; Has not been previously published as pathogenic or benign to our knowledge; This variant is associated with the following publications: (PMID: 27535533)